The following is an entry in ClinVar:

NM_001458.5(FLNC):c.554G>A (p.Trp185Ter)

Gene: FLNC (filamin C; plus strand). Cytogenetic location: 7q32.1.
Variant type: single nucleotide variant.
Coding change: c.554G>A on transcript NM_001458.5 (MANE Select); coding-DNA position 554, G replaced by A.
Protein change: p.Trp185Ter; replaces tryptophan 185 with a stop codon.
Molecular consequence: nonsense.
Genome position (GRCh38, 1-based): chr7:128,835,527, G>A. VCF-style: chr7-128835527-G-A. GRCh37 (hg19) VCF-style: chr7-128475581-G-A.
Other names: c.554G>A, p.Trp185Ter (NM_001127487.2); short protein forms W185*.
Identifiers: ClinVar variation 643595 (VCV000643595.13), dbSNP rs1585151331, ClinGen allele CA369219660.

ClinVar aggregate classification (germline): Pathogenic. Review status: criteria provided, multiple submitters, no conflicts (2 of 4 stars). 2 submissions from 2 submitters: Pathogenic (2). Last evaluated 2023-10-03.

Conditions:
Distal myopathy with posterior leg and anterior hand involvement. Also called: WILLIAMS DISTAL MYOPATHY. Identifiers: Orphanet 63273, MedGen C3279722, MONDO:0013550, OMIM 614065.
Hypertrophic cardiomyopathy 26. Also called: Cardiomyopathy, familial hypertrophic, 26. Identifiers: Orphanet 75249, MedGen C4310749, MONDO:0014883, OMIM 617047.
Myofibrillar myopathy 5. Also called: Filaminopathy (type); FILAMINOPATHY, AUTOSOMAL DOMINANT. Identifiers: Orphanet 171445, MedGen C1836050, MONDO:0012289, OMIM 609524.

Submissions (2):

GeneDx
Classification: Pathogenic. Last evaluated: 2023-10-03. Review status: criteria provided, single submitter. Criteria: GeneDx Variant Classification Process June 2021. Collection method: clinical testing. Allele origin: germline.
Comment: Not observed at significant frequency in large population cohorts (gnomAD); Nonsense variant predicted to result in protein truncation or nonsense mediated decay in a gene for which loss of function is a known mechanism of disease; This variant is associated with the following publications: (PMID: van der Crabben 2021)

Labcorp Genetics (formerly Invitae), Labcorp
Classification: Pathogenic for Distal myopathy with posterior leg and anterior hand involvement; Myofibrillar myopathy 5; Hypertrophic cardiomyopathy 26. Last evaluated: 2019-01-06. Review status: criteria provided, single submitter. Criteria: Invitae Variant Classification Sherloc (09022015). Collection method: clinical testing. Allele origin: germline.
Comment: This variant has not been reported in the literature in individuals with FLNC-related disease. For these reasons, this variant has been classified as Pathogenic. Loss-of-function variants in FLNC are known to be pathogenic (PMID: 27908349). This variant is not present in population databases (ExAC no frequency). This sequence change creates a premature translational stop signal (p.Trp185*) in the FLNC gene. It is expected to result in an absent or disrupted protein product.

Literature cited by the submitters: PubMed 27908349 (cited by Labcorp Genetics (formerly Invitae), Labcorp).